The following is an entry in ClinVar:

NM_006015.6(ARID1A):c.483CGC[5] (p.Ala167dup)

Gene: ARID1A (AT-rich interaction domain 1A; plus strand). Cytogenetic location: 1p36.11.
Variant type: Microsatellite.
Coding change: c.483CGC[5] on transcript NM_006015.6 (MANE Select); five copies in a row of the 3-base unit CGC starting at c.483; the reference has four copies in a row; one copy, 3 bases duplicated.
Protein change: p.Ala167dup; duplicates alanine 167.
Molecular consequence: inframe insertion.
Genome position (GRCh38, 1-based): chr1:26,696,895-26,696,897, CGC duplicated; duplicating any 3 consecutive bases within chr1:26,696,886-26,696,897 gives the same sequence; the position shown is the placement nearest the transcript's 3' end. VCF-style (leftmost placement, unchanged base first): chr1-26696885-T-TCGC. GRCh37 (hg19) VCF-style: chr1-27023376-T-TCGC.
Other names: c.492_494dupCGC (NM_006015.4); c.483CGC[5], p.Ala167dup (NM_139135.4).
Identifiers: ClinVar variation 434333 (VCV000434333.22), dbSNP rs759913677, ClinGen allele CA706600.

ClinVar aggregate classification (germline): Conflicting classifications of pathogenicity. Review status: criteria provided, conflicting classifications (1 of 4 stars). 7 submissions from 7 submitters: Uncertain significance (1); Benign (2); Likely benign (3). 1 of the submissions does not count toward it. Last evaluated 2026-01-02.

Conditions:
Inborn genetic diseases. Identifiers: MedGen C0950123, MeSH D030342.
ARID1A-related disorder. Also called: ARID1A-related condition.

Submissions (7):

Labcorp Genetics (formerly Invitae), Labcorp
Classification: Benign. Last evaluated: 2026-01-02. Review status: criteria provided, single submitter. Criteria: Invitae Variant Classification Sherloc (09022015). Collection method: clinical testing. Allele origin: germline.

CeGaT Center for Human Genetics Tuebingen
Classification: Likely benign. Last evaluated: 2026-01-01. Review status: criteria provided, single submitter. Criteria: CeGaT Center For Human Genetics Tuebingen Variant Classification Criteria Version 2. Collection method: clinical testing. Allele origin: germline. Affected: yes. Observed: 1 variant allele.
Comment: ARID1A: BS2

Ambry Genetics
Classification: Likely benign for Inborn genetic diseases. Last evaluated: 2025-03-04. Review status: criteria provided, single submitter. Criteria: Ambry Variant Classification Scheme 2023. Collection method: clinical testing. Allele origin: germline.

Blueprint Genetics
Classification: Likely benign. Last evaluated: 2024-11-25. Review status: criteria provided, single submitter. Criteria: ACMG Guidelines, 2015. Collection method: clinical testing. Allele origin: germline.

GeneDx
Classification: Benign. Last evaluated: 2019-04-11. Review status: criteria provided, single submitter. Criteria: GeneDx Variant Classification Process June 2021. Collection method: clinical testing. Allele origin: germline. Affected: yes.

Genetic Services Laboratory, University of Chicago
Classification: Uncertain significance. Last evaluated: 2015-09-22. Review status: criteria provided, single submitter. Criteria: ACMG Guidelines, 2015. Collection method: clinical testing. Allele origin: germline. Affected: no.

PreventionGenetics, part of Exact Sciences
Classification: Likely benign for ARID1A-related condition. Last evaluated: 2023-09-27. Review status: no assertion criteria provided. Collection method: clinical testing. Allele origin: germline. Not counted in ClinVar's aggregate classification.
Comment: This variant is classified as likely benign based on ACMG/AMP sequence variant interpretation guidelines (Richards et al. 2015 PMID: 25741868, with internal and published modifications).